The following is an entry in ClinVar:

ClinVar aggregate classification (germline): Uncertain significance (1 of 4 stars; one submission).

Conditions:
Cardiovascular phenotype. Identifiers: MedGen CN230736.

Submission:

Ambry Genetics
Classification: Uncertain significance for Cardiovascular phenotype. Last evaluated: 2026-07-09. Review status: criteria provided, single submitter. Criteria: Ambry Variant Classification Scheme 2023. Collection method: clinical testing. Allele origin: germline.
Comment: The p.G95E variant (also known as c.284G>A), located in coding exon 1 of the JPH2 gene, results from a G to A substitution at nucleotide position 284. The glycine at codon 95 is replaced by glutamic acid, an amino acid with similar properties. This amino acid position is conserved. In addition, this alteration is predicted to be deleterious by in silico analysis. Based on the available evidence, the clinical significance of this variant remains unclear.

NM_020433.5(JPH2):c.284G>A (p.Gly95Glu)

Gene: JPH2 (junctophilin 2; minus strand). Cytogenetic location: 20q13.12.
Variant type: single nucleotide variant.
Coding change: c.284G>A on transcript NM_020433.5 (MANE Select); coding-DNA position 284, G replaced by A.
Protein change: p.Gly95Glu; replaces glycine 95 with glutamic acid.
Molecular consequence: missense variant.
Genome position (GRCh38, 1-based): chr20:44,186,422, C>T on the plus strand (G>A on the coding strand, the complement: JPH2 is on the minus strand). VCF-style: chr20-44186422-C-T. GRCh37 (hg19) VCF-style: chr20-42815062-C-T.
Other names: c.284G>A, p.Gly95Glu (NM_175913.4); short protein forms G95E.
Identifiers: ClinVar variation 5022899 (VCV005022899.1).